The following is an entry in ClinVar:

NM_001999.4(FBN2):c.6695T>C (p.Ile2232Thr)

Gene: FBN2 (fibrillin 2; minus strand). Cytogenetic location: 5q23.3.
Variant type: single nucleotide variant.
Coding change: c.6695T>C on transcript NM_001999.4 (MANE Select); coding-DNA position 6695, T replaced by C.
Protein change: p.Ile2232Thr; replaces isoleucine 2232 with threonine.
Molecular consequence: missense variant.
Genome position (GRCh38, 1-based): chr5:128,288,500, A>G on the plus strand (T>C on the coding strand, the complement: FBN2 is on the minus strand). VCF-style: chr5-128288500-A-G. GRCh37 (hg19) VCF-style: chr5-127624192-A-G.
Other names: short protein forms I2232T.
Identifiers: ClinVar variation 3703941 (VCV003703941.2).

ClinVar aggregate classification (germline): Uncertain significance (1 of 4 stars; one submission).

Conditions:
Congenital contractural arachnodactyly (CCA). Also called: Beals-Hecht syndrome; BEALS SYNDROME; Arthrogryposis, distal, type 9. Identifiers: Orphanet 115, MedGen C0220668, MONDO:0007363, OMIM 121050.

gnomAD v4.1: 3 of 1,613,994 alleles (0.00019%); highest among the groups gnomAD compares: East Asian, 0.0022%; no homozygotes.

Submission:

Labcorp Genetics (formerly Invitae), Labcorp
Classification: Uncertain significance for Congenital contractural arachnodactyly. Last evaluated: 2024-11-18. Review status: criteria provided, single submitter. Criteria: Invitae Variant Classification Sherloc (09022015). Collection method: clinical testing. Allele origin: germline.
Comment: This sequence change replaces isoleucine, which is neutral and non-polar, with threonine, which is neutral and polar, at codon 2232 of the FBN2 protein (p.Ile2232Thr). This variant is not present in population databases (gnomAD no frequency). This variant has not been reported in the literature in individuals affected with FBN2-related conditions. Invitae Evidence Modeling of protein sequence and biophysical properties (such as structural, functional, and spatial information, amino acid conservation, physicochemical variation, residue mobility, and thermodynamic stability) indicates that this missense variant is not expected to disrupt FBN2 protein function with a negative predictive value of 80%. In summary, the available evidence is currently insufficient to determine the role of this variant in disease. Therefore, it has been classified as a Variant of Uncertain Significance.